The following is an entry in ClinVar:

NM_144596.4(TTC8):c.1159C>T (p.Leu387Phe)

Gene: TTC8 (tetratricopeptide repeat domain 8; plus strand). Cytogenetic location: 14q31.3.
Variant type: single nucleotide variant.
Coding change: c.1159C>T on transcript NM_144596.4 (MANE Select); coding-DNA position 1159, C replaced by T.
Protein change: p.Leu387Phe; replaces leucine 387 with phenylalanine.
Molecular consequence: missense variant. On other transcripts: non-coding transcript variant (1).
Genome position (GRCh38, 1-based): chr14:88,871,658, C>T. VCF-style: chr14-88871658-C-T. GRCh37 (hg19) VCF-style: chr14-89338002-C-T.
Other names: c.1207C>T, p.Leu403Phe (NM_001288781.1); c.565C>T, p.Leu189Phe (NM_001288782.1); c.442C>T, p.Leu148Phe (NM_001288783.1); c.1129C>T, p.Leu377Phe (NM_001366535.2, NM_198309.3); c.1039C>T, p.Leu347Phe (NM_001366536.2, NM_198310.3); short protein forms L148F, L189F, L347F, L377F, L387F, L403F.
Identifiers: ClinVar variation 3357357 (VCV003357357.1).
Genomic context (GRCh38, chr14:88,871,658, plus strand): 5'-GGGCTGTGTTGCTTCTATGCCCAGCAGTATGATATGACTCTGACCTCATTTGAACGTGCC[C>T]TTTCTTTGGCTGAAAATGAAGAAGAGGCAGCTGATGTCTGGTACAACTTGGGACATGTAG-3'
Protein context (NP_653197.2, residues 377-397): DMTLTSFERA[Leu387Phe]SLAENEEEAA

ClinVar aggregate classification (germline): Uncertain significance (0 of 4 stars; one submission).

Conditions:
TTC8-related disorder. Also called: TTC8-related condition.

gnomAD v4.1: 3 of 1,614,098 alleles (0.00019%); highest among the groups gnomAD compares: Non-Finnish European, 0.00025%; no homozygotes.

Submission:

PreventionGenetics, part of Exact Sciences
Classification: Uncertain significance for TTC8-related condition. Last evaluated: 2024-01-31. Review status: no assertion criteria provided. Collection method: clinical testing. Allele origin: germline.
Comment: The TTC8 c.1159C>T variant is predicted to result in the amino acid substitution p.Leu387Phe. To our knowledge, this variant has not been reported in the literature. This variant is reported in 0.00088% of alleles in individuals of European (Non-Finnish) descent in gnomAD. At this time, the clinical significance of this variant is uncertain due to the absence of conclusive functional and genetic evidence.